The following is an entry in ClinVar:

NM_001042492.3(NF1):c.4655_4656del (p.Lys1552fs)

Gene: NF1 (neurofibromin 1; plus strand). Cytogenetic location: 17q11.2.
Variant type: Deletion.
Coding change: c.4655_4656del on transcript NM_001042492.3 (MANE Select); coding-DNA positions 4655 to 4656, 2 bases deleted (AA; older notation c.4655_4656delAA).
Protein change: p.Lys1552fs; shifts the reading frame from lysine 1552.
Molecular consequence: frameshift variant.
Genome position (GRCh38, 1-based): chr17:31,261,788-31,261,789, AA deleted; deleting any 2 consecutive bases within chr17:31,261,787-31,261,789 gives the same sequence; the c. name uses the placement nearest the transcript's 3' end. VCF-style (leftmost placement, unchanged base first): chr17-31261786-CAA-C. GRCh37 (hg19) VCF-style: chr17-29588804-CAA-C.
Other names: c.4592_4593delAA, p.Lys1531Thrfs (NM_000267.4); short protein forms K1552fs, K1531fs.
Identifiers: ClinVar variation 3657217 (VCV003657217.2).

ClinVar aggregate classification (germline): Pathogenic (1 of 4 stars; one submission).

Conditions:
Neurofibromatosis, type 1 (NF1). Also called: Peripheral type neurofibromatosis; VON RECKLINGHAUSEN DISEASE; NEUROFIBROMATOSIS, TYPE I, SOMATIC; Neurofibromatosis, type I. Identifiers: Orphanet 636, MedGen C0027831, MONDO:0018975, OMIM 162200. Disease mechanism: loss of function.

Submission:

Labcorp Genetics (formerly Invitae), Labcorp
Classification: Pathogenic for Neurofibromatosis, type 1. Last evaluated: 2024-06-21. Review status: criteria provided, single submitter. Criteria: Invitae Variant Classification Sherloc (09022015). Collection method: clinical testing. Allele origin: germline.
Comment: This sequence change creates a premature translational stop signal (p.Lys1531Thrfs*11) in the NF1 gene. It is expected to result in an absent or disrupted protein product. Loss-of-function variants in NF1 are known to be pathogenic (PMID: 10712197, 23913538). This variant is not present in population databases (gnomAD no frequency). This variant has not been reported in the literature in individuals affected with NF1-related conditions. RNA analysis provides insufficient evidence to determine the effect of this variant on NF1 splicing (Invitae). For these reasons, this variant has been classified as Pathogenic.

Literature cited by the submitters: PubMed 10712197; PubMed 23913538.